The following is an entry in ClinVar:

NM_000548.5(TSC2):c.3086T>C (p.Met1029Thr)

Gene: TSC2 (TSC complex subunit 2; plus strand). Cytogenetic location: 16p13.3.
Variant type: single nucleotide variant.
Coding change: c.3086T>C on transcript NM_000548.5 (MANE Select); coding-DNA position 3086, T replaced by C.
Protein change: p.Met1029Thr; replaces methionine 1029 with threonine.
Molecular consequence: missense variant.
Genome position (GRCh38, 1-based): chr16:2,079,151, T>C. VCF-style: chr16-2079151-T-C. GRCh37 (hg19) VCF-style: chr16-2129152-T-C.
Other names: c.2954T>C, p.Met985Thr (NM_001077183.3, NM_001370404.1); c.3086T>C, p.Met1029Thr (NM_001114382.3); c.2846T>C, p.Met949Thr (NM_001318827.2); c.2810T>C, p.Met937Thr (NM_001318829.2); c.2354T>C, p.Met785Thr (NM_001318831.2); c.2987T>C, p.Met996Thr (NM_001318832.2); c.2957T>C, p.Met986Thr (NM_001363528.2, NM_001370405.1, NM_021055.3); short protein forms M1029T, M985T, M785T, M996T, M937T, M949T, M986T.
Identifiers: ClinVar variation 387996 (VCV000387996.3), dbSNP rs1057522974, ClinGen allele CA16607149.

ClinVar aggregate classification (germline): Uncertain significance (1 of 4 stars; one submission).

Allele frequency attached by ClinVar (database versions not stated): gnomAD exomes below 0.00001.

Submission:

GeneDx
Classification: Uncertain significance. Last evaluated: 2020-10-23. Review status: criteria provided, single submitter. Criteria: GeneDx Variant Classification Process June 2021. Collection method: clinical testing. Allele origin: germline. Affected: yes.
Comment: Not observed in large population cohorts (Lek et al., 2016); In silico analysis supports that this missense variant has a deleterious effect on protein structure/function; Has not been previously published as pathogenic or benign to our knowledge